The following is an entry in ClinVar:

NM_153704.6(TMEM67):c.2661+3A>G

Gene: TMEM67 (transmembrane protein 67; plus strand). Cytogenetic location: 8q22.1.
Variant type: single nucleotide variant.
Coding change: c.2661+3A>G on transcript NM_153704.6 (MANE Select); 3 bases into the intron after coding-DNA position 2661, A replaced by G.
Molecular consequence: intron variant.
Genome position (GRCh38, 1-based): chr8:93,809,164, A>G. VCF-style: chr8-93809164-A-G. GRCh37 (hg19) VCF-style: chr8-94821392-A-G.
Other names: c.2418+3A>G (NM_001142301.1).
Identifiers: ClinVar variation 262747 (VCV000262747.10), dbSNP rs568703831, ClinGen allele CA4808359.

ClinVar aggregate classification (germline): Uncertain significance. Review status: criteria provided, multiple submitters, no conflicts (2 of 4 stars). 7 submissions from 6 submitters: Uncertain significance (7). Last evaluated 2026-01-08.

Conditions:
Bardet-Biedl syndrome 14 (BBS14). Identifiers: Orphanet 110, MedGen C2673874, MONDO:0014442, OMIM 615991.
RHYNS syndrome. Also called: RETINITIS PIGMENTOSA SYNDROME; RETINITIS PIGMENTOSA, HYPOPITUITARISM, NEPHRONOPHTHISIS, AND MILD SKELETAL DYSPLASIA. Identifiers: Orphanet 140976, MedGen C1865794, MONDO:0011202, OMIM 602152.
Nephronophthisis 11 (NPHP11). Identifiers: Orphanet 84081, MedGen C3150796, MONDO:0013302, OMIM 613550.
Meckel syndrome, type 3 (MKS3). Also called: MECKEL-GRUBER SYNDROME, TYPE 3. Identifiers: Orphanet 564, MedGen C1846357, MONDO:0011821, OMIM 607361.
Joubert syndrome 6 (JBTS6). Identifiers: Orphanet 475, MedGen C1853153, MONDO:0012539, OMIM 610688.
COACH syndrome 1. Identifiers: Orphanet 1454, MedGen C5435651, MONDO:0800103, OMIM 216360, MONDO:0008996.
TMEM67-related disorder. Also called: TMEM67-related disorders; TMEM67-related condition. Identifiers: MedGen CN239423.
Meckel-Gruber syndrome. Also called: DYSENCEPHALIA SPLANCHNOCYSTICA; GRUBER SYNDROME; Dysencephalia splachnocystica. Identifiers: Orphanet 564, MedGen C0265215, MONDO:0018921.
Joubert syndrome. Also called: Familial aplasia of the vermis; JOUBERT-BOLTSHAUSER SYNDROME. Identifiers: Orphanet 475, MedGen C5979921, MONDO:0018772.

Allele frequency attached by ClinVar (database versions not stated): gnomAD below 0.00001 and 0.00003; TOPMed 0.00002; gnomAD exomes 0.00008 and 0.00011; ExAC 0.00013; 1000 Genomes Project 0.00020; 1000 Genomes Project 30x 0.00047.
gnomAD v4.1: 102 of 1,447,134 alleles (0.007%); highest among the groups gnomAD compares: South Asian, 0.11%; no homozygotes.

Submissions (7):

Women's Health and Genetics/Laboratory Corporation of America, LabCorp
Classification: Uncertain significance. Last evaluated: 2026-01-08. Review status: criteria provided, single submitter. Criteria: LabCorp Variant Classification Summary - May 2015. Collection method: clinical testing. Allele origin: germline.

PreventionGenetics, part of Exact Sciences
Classification: Uncertain significance for TMEM67-related condition. Last evaluated: 2025-10-08. Review status: criteria provided, single submitter. Criteria: ACMG Guidelines, 2015. Collection method: clinical testing. Allele origin: germline.
Comment: The TMEM67 c.2661+3A>G variant is predicted to interfere with splicing. To our knowledge, this variant has not been reported in the literature. This variant is reported in 0.088% of alleles in individuals of South Asian descent in gnomAD. At this time, the clinical significance of this variant is uncertain due to the absence of conclusive functional and genetic evidence.

Fulgent Genetics
Classification: Uncertain significance for COACH syndrome 1; RHYNS syndrome; Meckel syndrome, type 3; Joubert syndrome 6; Nephronophthisis 11; Bardet-Biedl syndrome 14. Last evaluated: 2024-06-04. Review status: criteria provided, single submitter. Criteria: ACMG Guidelines, 2015. Collection method: clinical testing. Allele origin: germline.

Neuberg Centre For Genomic Medicine, NCGM
Classification: Uncertain significance for Nephronophthisis 11. Last evaluated: 2023-06-22. Review status: criteria provided, single submitter. Criteria: ACMG Guidelines, 2015. Collection method: clinical testing. Allele origin: germline. Inheritance: Autosomal recessive inheritance. Affected: yes.
Comment: The splice region c.2661+3A>G variant in TMEM67 gene has not been reported previously as a pathogenic variant nor as a benign variant, to our knowledge. The c.2661+3A>G variant is present with allele frequency of 0.01% in gnomAD Exomes. This variant has been submitted to the ClinVar database as Uncertain Significance. SpliceAI predicts this variant to cause splice donor loss (0.81). For these reasons, this variant has been classified as a Variant of Uncertain Significance (VUS). In absence of another reportable variant in TMEM67 gene, the molecular diagnosis is not confirmed.

GeneDx
Classification: Uncertain significance. Last evaluated: 2022-10-25. Review status: criteria provided, single submitter. Criteria: GeneDx Variant Classification Process June 2021. Collection method: clinical testing. Allele origin: germline. Affected: yes.
Comment: In silico analysis supports a deleterious effect on splicing; Has not been previously published as pathogenic or benign to our knowledge

Labcorp Genetics (formerly Invitae), Labcorp
Classification: Uncertain significance for Joubert syndrome; Meckel-Gruber syndrome. Last evaluated: 2022-07-05. Review status: criteria provided, single submitter. Criteria: Invitae Variant Classification Sherloc (09022015). Collection method: clinical testing. Allele origin: germline.
Comment: This sequence change falls in intron 25 of the TMEM67 gene. It does not directly change the encoded amino acid sequence of the TMEM67 protein. It affects a nucleotide within the consensus splice site. This variant is present in population databases (rs568703831, gnomAD 0.09%). This variant has not been reported in the literature in individuals affected with TMEM67-related conditions. ClinVar contains an entry for this variant (Variation ID: 262747). Variants that disrupt the consensus splice site are a relatively common cause of aberrant splicing (PMID: 17576681, 9536098). Algorithms developed to predict the effect of sequence changes on RNA splicing suggest that this variant may disrupt the consensus splice site. In summary, the available evidence is currently insufficient to determine the role of this variant in disease. Therefore, it has been classified as a Variant of Uncertain Significance.

Neuberg Centre For Genomic Medicine, NCGM
Classification: Uncertain significance for Meckel syndrome, type 3. Review status: criteria provided, single submitter. Criteria: ACMG Guidelines, 2015. Collection method: clinical testing. Allele origin: germline. Inheritance: Autosomal recessive inheritance. Affected: yes.

Literature cited by the submitters: PubMed 17576681 (cited by Labcorp Genetics (formerly Invitae), Labcorp); PubMed 9536098 (cited by Labcorp Genetics (formerly Invitae), Labcorp).